The following is an entry in ClinVar:

NM_002282.3(KRT83):c.1477C>T (p.His493Tyr)

Gene: KRT83 (keratin 83; minus strand). Cytogenetic location: 12q13.13.
Variant type: single nucleotide variant.
Coding change: c.1477C>T on transcript NM_002282.3 (MANE Select); coding-DNA position 1477, C replaced by T.
Protein change: p.His493Tyr; replaces histidine 493 with tyrosine.
Molecular consequence: missense variant.
Genome position (GRCh38, 1-based): chr12:52,314,636, G>A on the plus strand (C>T on the coding strand, the complement: KRT83 is on the minus strand). VCF-style: chr12-52314636-G-A. GRCh37 (hg19) VCF-style: chr12-52708420-G-A.
Other names: short protein forms H493Y.
Identifiers: ClinVar variation 309494 (VCV000309494.15), dbSNP rs2857671, ClinGen allele CA6577241.
Genomic context (GRCh38, chr12:52,314,636, plus strand): 5'-GGCAGTGGCACGTCTGGCAGGCAGAAGGGGCTCCCCTGGCTCTCTTTTGGGCCACTTAAT[G>A]CCTCCCCTGGCCGCAGGAGCCCCCTCCACAGGTGGTGTTCAGCTGGCCACAGGGCTTGCA-3'
Protein context (NP_002273.3, residues 483-493): CGGGSCGQGR[His493Tyr]

ClinVar aggregate classification (germline): Benign. Review status: criteria provided, multiple submitters, no conflicts (2 of 4 stars). 4 submissions from 4 submitters: Benign (4). Last evaluated 2026-02-04.

Conditions:
Monilethrix. Also called: Beaded hair. Identifiers: Orphanet 573, MedGen C0546966, MONDO:0008009, HP:0032470.

Allele frequency attached by ClinVar (database versions not stated): ExAC 0.69983; gnomAD 0.72705 and 0.73262; TOPMed 0.73169; 1000 Genomes Project 0.73622; ESP Exome Variant Server 0.74907.
gnomAD v4.1: 1,051,252 of 1,562,540 alleles (67%); highest among the groups gnomAD compares: African/African-American, 93%; 357,051 homozygotes.

Submissions (4):

Labcorp Genetics (formerly Invitae), Labcorp
Classification: Benign. Last evaluated: 2026-02-04. Review status: criteria provided, single submitter. Criteria: Invitae Variant Classification Sherloc (09022015). Collection method: clinical testing. Allele origin: germline.

GeneDx
Classification: Benign. Last evaluated: 2018-11-12. Review status: criteria provided, single submitter. Criteria: GeneDx Variant Classification Process June 2021. Collection method: clinical testing. Allele origin: germline. Affected: yes.

Illumina Laboratory Services, Illumina
Classification: Benign for Monilethrix-1. Last evaluated: 2018-01-12. Review status: criteria provided, single submitter. Criteria: ICSL Variant Classification Criteria 13 December 2019. Collection method: clinical testing. Allele origin: germline.
Comment: This variant was observed in the ICSL laboratory as part of a predisposition screen in an ostensibly healthy population. It had not been previously curated by ICSL or reported in the Human Gene Mutation Database (HGMD: prior to June 1st, 2018), and was therefore a candidate for classification through an automated scoring system. Utilizing variant allele frequency, disease prevalence and penetrance estimates, and inheritance mode, an automated score was calculated to assess if this variant is too frequent to cause the disease. Based on the score and internal cut-off values, a variant classified as benign is not then subjected to further curation. The score for this variant resulted in a classification of benign for this disease.

Breakthrough Genomics
Classification: Benign. Review status: criteria provided, single submitter. Criteria: ACMG Guidelines, 2015. Collection method: not provided. Allele origin: germline. Inheritance: Autosomal recessive inheritance. Affected: yes.